The following is an entry in ClinVar:

ClinVar aggregate classification (germline): Pathogenic (1 of 4 stars; one submission).

Conditions:
Hereditary cancer-predisposing syndrome. Also called: Hereditary Cancer Syndrome; Tumor predisposition; Hereditary neoplastic syndrome; Neoplastic Syndromes, Hereditary. Identifiers: Orphanet 140162, MedGen C0027672, MeSH D009386, MONDO:0015356.
Cardiovascular phenotype. Identifiers: MedGen CN230736.

Submission:

Ambry Genetics
Classification: Pathogenic for Cardiovascular phenotype; Hereditary cancer-predisposing syndrome. Last evaluated: 2024-10-30. Review status: criteria provided, single submitter. Criteria: Ambry Variant Classification Scheme 2023. Collection method: clinical testing. Allele origin: germline.
Comment: The c.3392_3393delAA pathogenic mutation, located in coding exon 26 of the NF1 gene, results from a deletion of two nucleotides at nucleotide positions 3392 to 3393, causing a translational frameshift with a predicted alternate stop codon (p.K1131Tfs*63). This variant is considered to be rare based on population cohorts in the Genome Aggregation Database (gnomAD). This alteration is expected to result in loss of function by premature protein truncation or nonsense-mediated mRNA decay. As such, this alteration is interpreted as a disease-causing mutation.

NM_001042492.3(NF1):c.3392_3393del (p.Lys1131fs)

Gene: NF1 (neurofibromin 1; plus strand). Cytogenetic location: 17q11.2.
Variant type: Deletion.
Coding change: c.3392_3393del on transcript NM_001042492.3 (MANE Select); coding-DNA positions 3392 to 3393, 2 bases deleted (AA; older notation c.3392_3393delAA).
Protein change: p.Lys1131fs; shifts the reading frame from lysine 1131.
Molecular consequence: frameshift variant.
Genome position (GRCh38, 1-based): chr17:31,232,777-31,232,778, AA deleted; deleting any 2 consecutive bases within chr17:31,232,776-31,232,778 gives the same sequence; the c. name uses the placement nearest the transcript's 3' end. VCF-style (leftmost placement, unchanged base first): chr17-31232775-GAA-G. GRCh37 (hg19) VCF-style: chr17-29559793-GAA-G.
Other names: c.3392_3393delAA, p.Lys1131Thrfs (NM_000267.4); c.3392_3393delAA (NM_000267.3); short protein forms K1131fs.
Identifiers: ClinVar variation 3404802 (VCV003404802.1).